The following is an entry in ClinVar:

NM_001160148.2(DDHD1):c.1754dup (p.Thr586fs)

Gene: DDHD1 (DDHD domain containing 1; minus strand). Cytogenetic location: 14q22.1.
Variant type: Duplication.
Coding change: c.1754dup on transcript NM_001160148.2 (MANE Select); coding-DNA position 1754, one base duplicated (T; older notation c.1754dupT).
Protein change: p.Thr586fs; shifts the reading frame from threonine 586.
Molecular consequence: frameshift variant.
Genome position (GRCh38, 1-based): chr14:53,062,955, A duplicated on the plus strand (T on the coding strand, the reverse complement: DDHD1 is on the minus strand). VCF-style (leftmost placement, unchanged base first): chr14-53062954-T-TA. GRCh37 (hg19) VCF-style: chr14-53529672-T-TA.
Other names: c.1775dup, p.Thr593fs (NM_001160147.2); c.1754dup, p.Thr586fs (NM_030637.3); c.1775dup (NM_001160147.1); short protein forms T593fs, T586fs.
Identifiers: ClinVar variation 422933 (VCV000422933.12), dbSNP rs760208786, ClinGen allele CA16619872.

ClinVar aggregate classification (germline): Pathogenic/Likely pathogenic. Review status: criteria provided, multiple submitters, no conflicts (2 of 4 stars). 3 submissions from 3 submitters: Pathogenic (2); Likely pathogenic (1). Last evaluated 2025-11-24.

Conditions:
Hereditary spastic paraplegia 28. Also called: Spastic paraplegia 28, autosomal recessive. Identifiers: Orphanet 101008, MedGen C1836295, MONDO:0012256, OMIM 609340.
Hereditary spastic paraplegia. Also called: Familial spastic paraparesis. Identifiers: Orphanet 685, MedGen C0037773, MONDO:0019064. Disease mechanism: loss of function.

Allele frequency attached by ClinVar (database versions not stated): TOPMed 0.00002; gnomAD 0.00003; gnomAD exomes 0.00004.

Submissions (3):

Labcorp Genetics (formerly Invitae), Labcorp
Classification: Pathogenic for Hereditary spastic paraplegia 28. Last evaluated: 2025-11-24. Review status: criteria provided, single submitter. Criteria: Invitae Variant Classification Sherloc (09022015). Collection method: clinical testing. Allele origin: germline.
Comment: This sequence change creates a premature translational stop signal (p.Thr593Asnfs*2) in the DDHD1 gene. It is expected to result in an absent or disrupted protein product. Loss-of-function variants in DDHD1 are known to be pathogenic (PMID: 23176821, 24989667, 26944165, 27216551). This variant is not present in population databases (gnomAD no frequency). This variant has not been reported in the literature in individuals affected with DDHD1-related conditions. ClinVar contains an entry for this variant (Variation ID: 422933). For these reasons, this variant has been classified as Pathogenic.

GeneDx
Classification: Likely pathogenic. Last evaluated: 2018-04-04. Review status: criteria provided, single submitter. Criteria: GeneDx Variant Classification (06012015). Collection method: clinical testing. Allele origin: germline. Affected: yes.
Comment: The c.1775dupT variant has not been published as a pathogenic variant, nor has it been reported as a benign variant to our knowledge. The c.1775dupT variant was not observed in approximately 6500 individuals of European and African American ancestry in the NHLBI Exome Sequencing Project, indicating it is not a common benign variant in these populations. The c.1775dupT variant causes a frameshift starting with codon Threonine 593, changes this amino acid to an Asparagine residue and creates a premature Stop codon at position 2 of the new reading frame, denoted p.Thr593AsnfsX2. This variant is predicted to cause loss of normal protein function either through protein truncation or nonsense-mediated mRNA decay. In summary, we interpret this variant as likely pathogenic.

Genome Diagnostics Laboratory, The Hospital for Sick Children
Classification: Pathogenic for Hereditary spastic paraplegia. Last evaluated: 2016-12-12. Review status: criteria provided, single submitter. Criteria: ACMG Guidelines, 2015. Collection method: clinical testing. Allele origin: germline. Affected: yes.

Literature cited by the submitters: PubMed 23176821 (cited by Labcorp Genetics (formerly Invitae), Labcorp); PubMed 24989667 (cited by Labcorp Genetics (formerly Invitae), Labcorp); PubMed 26944165 (cited by Labcorp Genetics (formerly Invitae), Labcorp); PubMed 27216551 (cited by Labcorp Genetics (formerly Invitae), Labcorp).